The following is an entry in ClinVar:

ClinVar aggregate classification (germline): Uncertain significance (1 of 4 stars; one submission).

Conditions:
Leigh syndrome (NULS). Also called: Subacute necrotizing encephalopathy; Necrotizing encephalopathy infantile subacute of Leigh; LEIGH SYNDROME, NUCLEAR; Leigh Disease; Leigh's syndrome; Leigh's necrotizing encephalopathy. Identifiers: Orphanet 506, MedGen C2931891, MONDO:0009723, OMIM 256000.

Allele frequency attached by ClinVar (database versions not stated): gnomAD exomes below 0.00001.
gnomAD v4.1: 1 of 1,602,240 alleles (0.000062%); highest among the groups gnomAD compares: South Asian, 0.0011%; no homozygotes.

Submission:

Labcorp Genetics (formerly Invitae), Labcorp
Classification: Uncertain significance for Leigh syndrome. Last evaluated: 2022-05-12. Review status: criteria provided, single submitter. Criteria: Invitae Variant Classification Sherloc (09022015). Collection method: clinical testing. Allele origin: germline.
Comment: In summary, the available evidence is currently insufficient to determine the role of this variant in disease. Therefore, it has been classified as a Variant of Uncertain Significance. Algorithms developed to predict the effect of missense changes on protein structure and function are either unavailable or do not agree on the potential impact of this missense change (SIFT: "Deleterious"; PolyPhen-2: "Possibly Damaging"; Align-GVGD: "Class C0"). This variant has not been reported in the literature in individuals affected with SURF1-related conditions. This variant is present in population databases (no rsID available, gnomAD 0.004%). This sequence change replaces proline, which is neutral and non-polar, with serine, which is neutral and polar, at codon 255 of the SURF1 protein (p.Pro255Ser).

NM_003172.4(SURF1):c.763C>T (p.Pro255Ser)

Gene: SURF1 (SURF1 cytochrome c oxidase assembly factor; minus strand). Cytogenetic location: 9q34.2.
Variant type: single nucleotide variant.
Coding change: c.763C>T on transcript NM_003172.4 (MANE Select); coding-DNA position 763, C replaced by T.
Protein change: p.Pro255Ser; replaces proline 255 with serine.
Molecular consequence: missense variant.
Genome position (GRCh38, 1-based): chr9:133,352,131, G>A on the plus strand (C>T on the coding strand, the complement: SURF1 is on the minus strand). VCF-style: chr9-133352131-G-A. GRCh37 (hg19) VCF-style: chr9-136218986-G-A.
Other names: c.436C>T, p.Pro146Ser (NM_001280787.1); short protein forms P255S, P146S.
Identifiers: ClinVar variation 1950747 (VCV001950747.5), dbSNP rs1198344451, ClinGen allele CA375693559.
Genomic context (GRCh38, chr9:133,352,131, plus strand): 5'-TGTACTGCAGATGCTCGTTCCTCAGAGTAACTCTGGTTTGCCCTCCAATGGGTCCTCCAG[G>A]GACTGTGCTCTCTGTGGAGACAGCAGACTCAAGTCCACCCCCTACTGGCCTGCCAGCCTC-3'
Protein context (NP_003163.1, residues 245-265): FIDANFQSTV[Pro255Ser]GGPIGGQTRV